The following is an entry in ClinVar:

NM_002197.3(ACO1):c.1263A>G (p.Glu421=)

Gene: ACO1 (aconitase 1; plus strand). Cytogenetic location: 9p21.1.
Variant type: single nucleotide variant.
Coding change: c.1263A>G on transcript NM_002197.3 (MANE Select); coding-DNA position 1263, A replaced by G.
Protein change: p.Glu421=; no amino-acid change (glutamic acid 421 retained).
Molecular consequence: synonymous variant.
Genome position (GRCh38, 1-based): chr9:32,425,912, A>G. VCF-style: chr9-32425912-A-G. GRCh37 (hg19) VCF-style: chr9-32425910-A-G.
Other names: p.Glu421=; c.1263A>G, p.Glu421= (NM_001278352.2, NM_001362840.2).
Identifiers: ClinVar variation 4683381 (VCV004683381.1).
Genomic context (GRCh38, chr9:32,425,912, plus strand): 5'-ATTCCAAGTTGCTCCTGAACATCATAATGACCATAAGACCTTTATCTATGATAACACTGA[A>G]TTCACCCTTGCTCATGGTTCTGTGGTCATTGCTGCCATTACTAGCTGCACAAACACCAGT-3'
Protein context (NP_002188.1, residues 411-431): DHKTFIYDNT[Glu421=]FTLAHGSVVI

ClinVar aggregate classification (germline): Benign (1 of 4 stars; one submission).

gnomAD v4.1: 563,795 of 1,612,936 alleles (35%); highest among the groups gnomAD compares: East Asian, 51%; 100,381 homozygotes.

Submission:

Mayo Clinic Laboratories, Mayo Clinic
Classification: Benign. Last evaluated: 2023-03-28. Review status: criteria provided, single submitter. Criteria: ACMG Guidelines, 2015. Collection method: clinical testing. Allele origin: germline. Observed: 177 variant alleles.
Comment: BA1, BP4